The following is an entry in ClinVar:

ClinVar aggregate classification (germline): Likely pathogenic. Review status: reviewed by expert panel (3 of 4 stars). 2 submissions from 2 submitters: Likely pathogenic (1). 1 of the submissions does not count toward it. Last evaluated 2024-11-01.

Conditions:
Hereditary factor VIII deficiency disease (HEMA). Also called: Hemophilia A, congenital; HEM A; Factor 8 deficiency, congenital; HEMOPHILIA, CLASSIC; Hemophilia A; AUTOSOMAL HEMOPHILIA A. Identifiers: Orphanet 98878, MedGen C0019069, MONDO:0010602, OMIM 306700.
Hereditary factor IX deficiency disease (HEMB). Also called: Hemophilia B; F9 DEFICIENCY; FACTOR IX DEFICIENCY; PLASMA THROMBOPLASTIN COMPONENT DEFICIENCY; Christmas Disease. Identifiers: Orphanet 98879, MedGen C0008533, MeSH D002836, MONDO:0010604, OMIM 306900.

Submissions (2):

ClinGen Coagulation Factor Deficiency Variant Curation Expert Panel, Clingen
Classification: Likely pathogenic for Hereditary factor IX deficiency disease. Last evaluated: 2024-11-01. Review status: reviewed by expert panel. Criteria: ClinGen CoagFactor ACMG Specifications F9 V1.0.0. Collection method: curation. Allele origin: germline. Inheritance: X-linked inheritance.
Comment: NM_000133.4(F9):c.407T>C (p.Ile136Thr) missense variant has a REVEL score of 0.634, which meets criteria for PP3. This variant is absent from males in population databases (gnomAD v2.1.1/gnomAD v3). The variant occurs within exon 5, a region deemed critical for the encoded FIX protein by the CFD-VCEP, and meets criteria for PM1. The c.407T>C (p.Ile136Thr) variant is reported in at least two individuals with mild hemophilia B and two individuals with hemophilia B of unspecified severity (PMID: 8680410, 8091381, 31064749), meeting criteria for PS4. In summary, this variant meets criteria to be classified as likely pathogenic. ACMG/AMP criteria applied, as specified by the Coagulation Factor Deficiency Variant Curation Expert Panel for F9 (Released 10/5/2023): PS4, PM1, PP3, PM2_Supporting.

NIHR Bioresource Rare Diseases, University of Cambridge
Classification: Pathogenic for Hereditary factor VIII deficiency disease. Last evaluated: 2019-02-01. Review status: criteria provided, single submitter. Criteria: ACMG Guidelines, 2015. Collection method: research. Allele origin: unknown. Affected: yes. Observed: 2 hemizygotes. Study: ThromboGenomics. Not counted in ClinVar's aggregate classification.

Literature cited by the submitters: PubMed 31064749 (cited by NIHR Bioresource Rare Diseases, University of Cambridge).

NM_000133.4(F9):c.407T>C (p.Ile136Thr)

Gene: F9 (coagulation factor IX; plus strand). Cytogenetic location: Xq27.1.
Variant type: single nucleotide variant.
Coding change: c.407T>C on transcript NM_000133.4 (MANE Select); coding-DNA position 407, T replaced by C.
Protein change: p.Ile136Thr; replaces isoleucine 136 with threonine.
Molecular consequence: missense variant.
Genome position (GRCh38, 1-based): chrX:139,548,378, T>C. VCF-style: chrX-139548378-T-C. GRCh37 (hg19) VCF-style: chrX-138630537-T-C.
Other names: NM_000133.4(F9):c.407T>C; p.Ile136Thr; c.293T>C, p.Ile98Thr (NM_001313913.2); short protein forms I136T, I98T.
Identifiers: ClinVar variation 627177 (VCV000627177.3), dbSNP rs1603265481, ClinGen allele CA414438824.
Genomic context (GRCh38, chrX:139,548,378, plus strand): 5'-ATGCATGTTAAATGATGCTGTTACTGTCTATTTTGCTTCTTTTAGATGTAACATGTAACA[T>C]TAAGAATGGCAGATGCGAGCAGTTTTGTAAAAATAGTGCTGATAACAAGGTGGTTTGCTC-3'
Protein context (NP_000124.1, residues 126-146): KNCELDVTCN[Ile136Thr]KNGRCEQFCK